The following is an entry in ClinVar:

ClinVar aggregate classification (germline): Likely benign. Review status: criteria provided, multiple submitters, no conflicts (2 of 4 stars). 3 submissions from 3 submitters: Likely benign (2). 1 of the submissions does not count toward it. Last evaluated 2017-12-13.

Conditions:
FLT3-related disorder. Also called: FLT3-related condition.

Allele frequency attached by ClinVar (database versions not stated): gnomAD exomes 0.00015 and 0.00043; ExAC 0.00051; gnomAD 0.00178 and 0.00183; TOPMed 0.00179; ESP Exome Variant Server 0.00192; 1000 Genomes Project 0.00300; 1000 Genomes Project 30x 0.00375.
gnomAD v4.1: 499 of 1,614,114 alleles (0.031%); highest among the groups gnomAD compares: African/African-American, 0.6%; 1 homozygote.

Submissions (3):

Labcorp Genetics (formerly Invitae), Labcorp
Classification: Likely benign. Last evaluated: 2017-12-13. Review status: criteria provided, single submitter. Criteria: Invitae Variant Classification Sherloc (09022015). Collection method: clinical testing. Allele origin: germline.

Breakthrough Genomics
Classification: Likely benign. Review status: criteria provided, single submitter. Criteria: ACMG Guidelines, 2015. Collection method: not provided. Allele origin: germline. Inheritance: Autosomal dominant inheritance. Affected: yes.

PreventionGenetics, part of Exact Sciences
Classification: Likely benign for FLT3-related condition. Last evaluated: 2019-02-28. Review status: no assertion criteria provided. Collection method: clinical testing. Allele origin: germline. Not counted in ClinVar's aggregate classification.
Comment: This variant is classified as likely benign based on ACMG/AMP sequence variant interpretation guidelines (Richards et al. 2015 PMID: 25741868, with internal and published modifications).

NM_004119.3(FLT3):c.728G>A (p.Arg243Lys)

Gene: FLT3 (fms related receptor tyrosine kinase 3; minus strand). Cytogenetic location: 13q12.2.
Variant type: single nucleotide variant.
Coding change: c.728G>A on transcript NM_004119.3 (MANE Select); coding-DNA position 728, G replaced by A.
Protein change: p.Arg243Lys; replaces arginine 243 with lysine.
Molecular consequence: missense variant. On other transcripts: non-coding transcript variant (1).
Genome position (GRCh38, 1-based): chr13:28,050,109, C>T on the plus strand (G>A on the coding strand, the complement: FLT3 is on the minus strand). VCF-style: chr13-28050109-C-T. GRCh37 (hg19) VCF-style: chr13-28624246-C-T.
Other names: short protein forms R243K.
Identifiers: ClinVar variation 728968 (VCV000728968.6), dbSNP rs61729144, ClinGen allele CA6928858.